The following is an entry in ClinVar:

ClinVar aggregate classification (germline): Pathogenic. Review status: criteria provided, multiple submitters, no conflicts (2 of 4 stars). 3 submissions from 3 submitters: Pathogenic (3). Last evaluated 2023-04-11.

Conditions:
Encephalopathy due to GLUT1 deficiency. Also called: GLUT1 deficiency syndrome 1; GLUT1 deficiency syndrome 1, infantile onset, severe; GLUCOSE TRANSPORT DEFECT, BLOOD-BRAIN BARRIER; Glucose transporter protein syndrome; De Vivo disease; Classic Glucose Transporter Type 1 Deficiency Syndrome. Identifiers: Orphanet 71277, MedGen C4551966, MONDO:0011724, OMIM 606777.
GLUT1 deficiency syndrome 1, autosomal recessive. Identifiers: MedGen C3149117.

Submissions (3):

Genome-Nilou Lab
Classification: Pathogenic for Encephalopathy due to GLUT1 deficiency. Last evaluated: 2023-04-11. Review status: criteria provided, single submitter. Criteria: ACMG Guidelines, 2015. Collection method: clinical testing. Allele origin: germline. Affected: no.

Labcorp Genetics (formerly Invitae), Labcorp
Classification: Pathogenic for GLUT1 deficiency syndrome 1, autosomal recessive. Last evaluated: 2022-05-29. Review status: criteria provided, single submitter. Criteria: Invitae Variant Classification Sherloc (09022015). Collection method: clinical testing. Allele origin: germline.
Comment: This sequence change creates a premature translational stop signal (p.Tyr432*) in the SLC2A1 gene. While this is not anticipated to result in nonsense mediated decay, it is expected to disrupt the last 61 amino acid(s) of the SLC2A1 protein. This variant is not present in population databases (gnomAD no frequency). This premature translational stop signal has been observed in individual(s) with GLUT1 deficiency syndrome 1 (PMID: 29303961). ClinVar contains an entry for this variant (Variation ID: 193689). This variant disrupts a region of the SLC2A1 protein in which other variant(s) (p.Arg458Trp) have been determined to be pathogenic (PMID: 23280796, 23340081, 28116237). This suggests that this is a clinically significant region of the protein, and that variants that disrupt it are likely to be disease-causing. For these reasons, this variant has been classified as Pathogenic.

Eurofins Ntd Llc (ga)
Classification: Pathogenic. Last evaluated: 2015-01-02. Review status: criteria provided, single submitter. Criteria: EGL Classification Definitions 2015. Collection method: clinical testing. Allele origin: germline. Observed: 1 variant allele, 1 heterozygote.

Literature cited by the submitters: PubMed 29303961 (cited by Labcorp Genetics (formerly Invitae), Labcorp); PubMed 23280796 (cited by Labcorp Genetics (formerly Invitae), Labcorp); PubMed 23340081 (cited by Labcorp Genetics (formerly Invitae), Labcorp); PubMed 28116237 (cited by Labcorp Genetics (formerly Invitae), Labcorp).

NM_006516.4(SLC2A1):c.1296C>A (p.Tyr432Ter)

Gene: SLC2A1 (solute carrier family 2 member 1; minus strand). Cytogenetic location: 1p34.2.
Variant type: single nucleotide variant.
Coding change: c.1296C>A on transcript NM_006516.4 (MANE Select); coding-DNA position 1296, C replaced by A.
Protein change: p.Tyr432Ter; replaces tyrosine 432 with a stop codon.
Molecular consequence: nonsense.
Genome position (GRCh38, 1-based): chr1:42,927,224, G>T on the plus strand (C>A on the coding strand, the complement: SLC2A1 is on the minus strand). VCF-style: chr1-42927224-G-T. GRCh37 (hg19) VCF-style: chr1-43392895-G-T.
Other names: short protein forms Y432*.
Identifiers: ClinVar variation 193689 (VCV000193689.10), dbSNP rs75485205, ClinGen allele CA019039.